The following is an entry in ClinVar:

NM_052947.4(ALPK2):c.3512C>T (p.Pro1171Leu)

Gene: ALPK2 (alpha kinase 2; minus strand). Cytogenetic location: 18q21.31.
Variant type: single nucleotide variant.
Coding change: c.3512C>T on transcript NM_052947.4 (MANE Select); coding-DNA position 3512, C replaced by T.
Protein change: p.Pro1171Leu; replaces proline 1171 with leucine.
Molecular consequence: missense variant.
Genome position (GRCh38, 1-based): chr18:58,536,675, G>A on the plus strand (C>T on the coding strand, the complement: ALPK2 is on the minus strand). VCF-style: chr18-58536675-G-A. GRCh37 (hg19) VCF-style: chr18-56203907-G-A.
Other names: short protein forms P1171L.
Identifiers: ClinVar variation 1732173 (VCV001732173.2), dbSNP rs2051650644, ClinGen allele CA402566602.
Genomic context (GRCh38, chr18:58,536,675, plus strand): 5'-GTCCCCCAACCTGAGCGCTGCCCTGCTCCTTCCCTAGAGCTTGCGGGTGAGTGGGCCGTG[G>A]GCACCAAGTTTCTTTCCTCTTGTGCAGCAGATGTCGTAGGCAAACTTTGTTGGAAATCAG-3'
Protein context (NP_443179.3, residues 1161-1181): SAAQEERNLV[Pro1171Leu]TAHSPASSRE

ClinVar aggregate classification (germline): Uncertain significance (1 of 4 stars; one submission).

Allele frequency attached by ClinVar (database versions not stated): gnomAD exomes below 0.00001; TOPMed below 0.00001; gnomAD 0.00001.
gnomAD v4.1: 5 of 1,613,988 alleles (0.00031%); highest among the groups gnomAD compares: Non-Finnish European, 0.00042%; no homozygotes.

Submission:

Ambry Genetics
Classification: Uncertain significance. Last evaluated: 2023-12-14. Review status: criteria provided, single submitter. Criteria: Ambry Variant Classification Scheme 2023. Collection method: clinical testing. Allele origin: germline.
Comment: The p.P1171L variant (also known as c.3512C>T), located in coding exon 4 of the ALPK2 gene, results from a C to T substitution at nucleotide position 3512. The proline at codon 1171 is replaced by leucine, an amino acid with similar properties. This amino acid position is conserved. In addition, this alteration is predicted to be tolerated by in silico analysis. Since supporting evidence is limited at this time, the clinical significance of this alteration remains unclear.